The following is an entry in ClinVar:

NM_005477.3(HCN4):c.3392G>A (p.Ser1131Asn)

Gene: HCN4 (hyperpolarization activated cyclic nucleotide gated potassium channel 4; minus strand). Cytogenetic location: 15q24.1.
Variant type: single nucleotide variant.
Coding change: c.3392G>A on transcript NM_005477.3 (MANE Select); coding-DNA position 3392, G replaced by A.
Protein change: p.Ser1131Asn; replaces serine 1131 with asparagine.
Molecular consequence: missense variant.
Genome position (GRCh38, 1-based): chr15:73,322,701, C>T on the plus strand (G>A on the coding strand, the complement: HCN4 is on the minus strand). VCF-style: chr15-73322701-C-T. GRCh37 (hg19) VCF-style: chr15-73615042-C-T.
Other names: short protein forms S1131N.
Identifiers: ClinVar variation 2665043 (VCV002665043.3), dbSNP rs1249032163, ClinGen allele CA393085418.
Genomic context (GRCh38, chr15:73,322,701, plus strand): 5'-GTGACGTGCTGGCCGGGGATGGCACCATAGGGCCTCCCAGGGGGACCGAGGCCCCCGCTG[C>T]TCCCACTGCCCCCGCTGCCACCCCCAGCCCTGGGGAAGAGCGGGAAGGCAGCCATGGACT-3'
Protein context (NP_005468.1, residues 1121-1141): RAGGGSGGSG[Ser1131Asn]SGGLGPPGRP

ClinVar aggregate classification (germline): Uncertain significance. Review status: criteria provided, multiple submitters, no conflicts (2 of 4 stars). 2 submissions from 2 submitters: Uncertain significance (2). Last evaluated 2024-09-23.

Conditions:
Sick sinus syndrome 2, autosomal dominant (SSS2). Also called: SICK SINUS SYNDROME 2; SICK SINUS SYNDROME 2 WITH OR WITHOUT CARDIAC NONCOMPACTION AND/OR ASCENDING AORTA DILATION; SINUS BRADYCARDIA SYNDROME, FAMILIAL, AUTOSOMAL DOMINANT; SINUS NODE DISEASE, FAMILIAL, AUTOSOMAL DOMINANT; ATRIAL FIBRILLATION WITH BRADYARRHYTHMIA. Identifiers: Orphanet 166282, MedGen C1834144, MONDO:0008102, OMIM 163800.
Epilepsy, idiopathic generalized, susceptibility to, 18. Identifiers: MedGen C5561983, MONDO:0030434, OMIM 619521.
Brugada syndrome 8 (BRGDA8). Identifiers: Orphanet 130, MedGen C2751083, MONDO:0013148, OMIM 613123.

gnomAD v4.1: 4 of 1,574,382 alleles (0.00025%); highest among the groups gnomAD compares: East Asian, 0.0047%; no homozygotes.

Submissions (2):

Labcorp Genetics (formerly Invitae), Labcorp
Classification: Uncertain significance for Brugada syndrome 8. Last evaluated: 2024-09-23. Review status: criteria provided, single submitter. Criteria: Invitae Variant Classification Sherloc (09022015). Collection method: clinical testing. Allele origin: germline.
Comment: This sequence change replaces serine, which is neutral and polar, with asparagine, which is neutral and polar, at codon 1131 of the HCN4 protein (p.Ser1131Asn). This variant is not present in population databases (gnomAD no frequency). This variant has not been reported in the literature in individuals affected with HCN4-related conditions. ClinVar contains an entry for this variant (Variation ID: 2665043). Invitae Evidence Modeling of protein sequence and biophysical properties (such as structural, functional, and spatial information, amino acid conservation, physicochemical variation, residue mobility, and thermodynamic stability) indicates that this missense variant is not expected to disrupt HCN4 protein function with a negative predictive value of 95%. In summary, the available evidence is currently insufficient to determine the role of this variant in disease. Therefore, it has been classified as a Variant of Uncertain Significance.

New York Genome Center
Classification: Uncertain significance for Sick sinus syndrome 2, autosomal dominant; Epilepsy, idiopathic generalized, susceptibility to, 18. Last evaluated: 2023-06-16. Review status: criteria provided, single submitter. Criteria: NYGC Assertion Criteria 2020. Collection method: clinical testing. Allele origin: germline. Observed: 1 heterozygote.